The following is an entry in ClinVar:

NM_001273.5(CHD4):c.4912G>A (p.Ala1638Thr)

Genes: CHD4 (chromodomain helicase DNA binding protein 4; minus strand), CHD4-AS1 (CHD4 antisense RNA 1; plus strand). Cytogenetic location: 12p13.31.
Variant type: single nucleotide variant.
Coding change: c.4912G>A on transcript NM_001273.5 (MANE Select); coding-DNA position 4912, G replaced by A.
Protein change: p.Ala1638Thr; replaces alanine 1638 with threonine.
Molecular consequence: missense variant.
Genome position (GRCh38, 1-based): chr12:6,578,915, C>T on the plus strand (G>A on the coding strand, the complement: CHD4 is on the minus strand). VCF-style: chr12-6578915-C-T. GRCh37 (hg19) VCF-style: chr12-6688081-C-T.
Other names: c.4891G>A, p.Ala1631Thr (NM_001297553.2); c.4879G>A, p.Ala1627Thr (NM_001363606.2); short protein forms A1627T, A1631T, A1638T.
Identifiers: ClinVar variation 5037343 (VCV005037343.1).

ClinVar aggregate classification (germline): Uncertain significance (1 of 4 stars; one submission).

Submission:

GeneDx
Classification: Uncertain significance. Last evaluated: 2026-04-20. Review status: criteria provided, single submitter. Criteria: GeneDx Variant Classification Process June 2021. Collection method: clinical testing. Allele origin: germline.
Comment: Not observed at significant frequency in large population cohorts (gnomAD); In silico analysis suggests that this missense variant does not alter protein structure/function; Has not been previously published as pathogenic or benign to our knowledge